The following is an entry in ClinVar:

ClinVar aggregate classification (germline): Uncertain significance (1 of 4 stars; one submission).

Submission:

GeneDx
Classification: Uncertain significance. Last evaluated: 2023-06-13. Review status: criteria provided, single submitter. Criteria: GeneDx Variant Classification Process June 2021. Collection method: clinical testing. Allele origin: germline. Affected: yes.
Comment: Not observed at significant frequency in large population cohorts (gnomAD); In silico analysis supports that this missense variant has a deleterious effect on protein structure/function; Has not been previously published as pathogenic or benign to our knowledge; This variant is associated with the following publications: (PMID: 15235021, 22850631)

NM_004360.5(CDH1):c.2039C>A (p.Thr680Asn)

Gene: CDH1 (cadherin 1; plus strand). Cytogenetic location: 16q22.1.
Variant type: single nucleotide variant.
Coding change: c.2039C>A on transcript NM_004360.5 (MANE Select); coding-DNA position 2039, C replaced by A.
Protein change: p.Thr680Asn; replaces threonine 680 with asparagine.
Molecular consequence: missense variant.
Genome position (GRCh38, 1-based): chr16:68,823,501, C>A. VCF-style: chr16-68823501-C-A. GRCh37 (hg19) VCF-style: chr16-68857404-C-A.
Other names: c.1856C>A, p.Thr619Asn (NM_001317184.2); c.491C>A, p.Thr164Asn (NM_001317185.2); c.74C>A, p.Thr25Asn (NM_001317186.2); short protein forms T164N, T25N, T619N, T680N.
Identifiers: ClinVar variation 3359939 (VCV003359939.1).
Genomic context (GRCh38, chr16:68,823,501, plus strand): 5'-TGGGTGACTACAAAATCAATCTCAAGCTCATGGATAACCAGAATAAAGACCAAGTGACCA[C>A]CTTAGAGGTCAGCGTGTGTGACTGTGAAGGGGCCGCTGGCGTCTGTAGGAAGGCACAGCC-3'
Protein context (NP_004351.1, residues 670-690): MDNQNKDQVT[Thr680Asn]LEVSVCDCEG